The following is an entry in ClinVar:

ClinVar aggregate classification (germline): Likely benign. Review status: criteria provided, multiple submitters, no conflicts (2 of 4 stars). 2 submissions from 2 submitters: Likely benign (2). Last evaluated 2026-04-01.

gnomAD v4.1: 478 of 1,576,498 alleles (0.03%); highest among the groups gnomAD compares: Middle Eastern, 0.24%; 2 homozygotes.

Submissions (2):

CeGaT Center for Human Genetics Tuebingen
Classification: Likely benign. Last evaluated: 2026-04-01. Review status: criteria provided, single submitter. Criteria: CeGaT Center For Human Genetics Tuebingen Variant Classification Criteria Version 2. Collection method: clinical testing. Allele origin: germline. Affected: yes. Observed: 1 variant allele.
Comment: LILRB2: BP4, BP7

Ambry Genetics
Classification: Likely benign. Last evaluated: 2025-08-06. Review status: criteria provided, single submitter. Criteria: Ambry Variant Classification Scheme 2023. Collection method: clinical testing. Allele origin: germline.

NM_001080978.4(LILRB2):c.1344G>A (p.Ser448=)

Gene: LILRB2 (leukocyte immunoglobulin like receptor B2; minus strand). Cytogenetic location: 19q13.42.
Variant type: single nucleotide variant.
Coding change: c.1344G>A on transcript NM_001080978.4 (MANE Select); coding-DNA position 1344, G replaced by A.
Protein change: p.Ser448=; no amino-acid change (serine 448 retained).
Molecular consequence: synonymous variant. On other transcripts: non-coding transcript variant (1).
Genome position (GRCh38, 1-based): chr19:54,277,563, C>T on the plus strand (G>A on the coding strand, the complement: LILRB2 is on the minus strand). VCF-style: chr19-54277563-C-T. GRCh37 (hg19) VCF-style: chr19-54781417-C-T.
Other names: c.1344G>A, p.Ser448= (NM_001278403.3); c.999G>A, p.Ser333= (NM_001278404.3); c.1347G>A, p.Ser449= (NM_001278405.2, NM_001278406.2, NM_005874.5).
Identifiers: ClinVar variation 4097899 (VCV004097899.3).
Genomic context (GRCh38, chr19:54,277,563, plus strand): 5'-GCCTCCCCGGGACCCCGCCCACCTCCCACTCAGAGCCCCTCACTCACCACTTTGGGGATC[C>T]GACCCAGTGGGGGTGAGGGGCTGGTCCTCAGGGCCTGCTGGGTCAGGACGGGGAGGTGAG-3'
Protein context (NP_001074447.2, residues 438-458): PEDQPLTPTG[Ser448=]DPQSGLGRHL